The following is an entry in ClinVar:

NM_052876.4(NACC1):c.439G>A (p.Val147Met)

Gene: NACC1 (nucleus accumbens associated 1; plus strand). Cytogenetic location: 19p13.13.
Variant type: single nucleotide variant.
Coding change: c.439G>A on transcript NM_052876.4 (MANE Select); coding-DNA position 439, G replaced by A.
Protein change: p.Val147Met; replaces valine 147 with methionine.
Molecular consequence: missense variant.
Genome position (GRCh38, 1-based): chr19:13,135,646, G>A. VCF-style: chr19-13135646-G-A. GRCh37 (hg19) VCF-style: chr19-13246460-G-A.
Other names: short protein forms V147M.
Identifiers: ClinVar variation 2833654 (VCV002833654.3), dbSNP rs751983812, ClinGen allele CA9238272.

ClinVar aggregate classification (germline): Uncertain significance (1 of 4 stars; one submission).

Allele frequency attached by ClinVar (database versions not stated): gnomAD exomes 0.00001; TOPMed 0.00002; gnomAD 0.00003; ExAC 0.00004.
gnomAD v4.1: 15 of 1,565,272 alleles (0.00096%); highest among the groups gnomAD compares: African/African-American, 0.0041%; no homozygotes.

Submission:

Labcorp Genetics (formerly Invitae), Labcorp
Classification: Uncertain significance. Last evaluated: 2024-04-08. Review status: criteria provided, single submitter. Criteria: Invitae Variant Classification Sherloc (09022015). Collection method: clinical testing. Allele origin: germline.
Comment: This sequence change replaces valine, which is neutral and non-polar, with methionine, which is neutral and non-polar, at codon 147 of the NACC1 protein (p.Val147Met). The frequency data for this variant in the population databases is considered unreliable, as metrics indicate poor data quality at this position in the gnomAD database. This variant has not been reported in the literature in individuals affected with NACC1-related conditions. Advanced modeling of protein sequence and biophysical properties (such as structural, functional, and spatial information, amino acid conservation, physicochemical variation, residue mobility, and thermodynamic stability) performed at Invitae indicates that this missense variant is not expected to disrupt NACC1 protein function with a negative predictive value of 80%. In summary, the available evidence is currently insufficient to determine the role of this variant in disease. Therefore, it has been classified as a Variant of Uncertain Significance.